The following is an entry in ClinVar:

NM_001134363.3(RBM20):c.2374del (p.Glu792fs)

Gene: RBM20 (RNA binding motif protein 20; plus strand). Cytogenetic location: 10q25.2.
Variant type: Deletion.
Coding change: c.2374del on transcript NM_001134363.3 (MANE Select); coding-DNA position 2374, one base deleted (G; older notation c.2374delG).
Protein change: p.Glu792fs; shifts the reading frame from glutamic acid 792.
Molecular consequence: frameshift variant.
Genome position (GRCh38, 1-based): chr10:110,812,771, G deleted; the last of 3 consecutive G bases (chr10:110,812,769-110,812,771); deleting any one gives the same sequence. VCF-style (leftmost placement, unchanged base first): chr10-110812768-CG-C. GRCh37 (hg19) VCF-style: chr10-112572526-CG-C.
Other names: short protein forms E792fs.
Identifiers: ClinVar variation 3661823 (VCV003661823.3).

ClinVar aggregate classification (germline): Pathogenic/Likely pathogenic. Review status: criteria provided, multiple submitters, no conflicts (2 of 4 stars). 2 submissions from 2 submitters: Pathogenic (1); Likely pathogenic (1). Last evaluated 2025-11-21.

Conditions:
Dilated cardiomyopathy 1DD (CMD1DD). Identifiers: Orphanet 154, MedGen C2750995, MONDO:0013168, OMIM 613172.
Dilated and arrhythmogenic cardiomyopathy.

Submissions (2):

Labcorp Genetics (formerly Invitae), Labcorp
Classification: Pathogenic for Dilated cardiomyopathy 1DD. Last evaluated: 2025-11-21. Review status: criteria provided, single submitter. Criteria: Invitae Variant Classification Sherloc (09022015). Collection method: clinical testing. Allele origin: germline.
Comment: This sequence change creates a premature translational stop signal (p.Glu792Lysfs*118) in the RBM20 gene. It is expected to result in an absent or disrupted protein product. Loss-of-function variants in RBM20 are known to be pathogenic (PMID: 20590677, 22004663, 38288598, 38510713, 40339755). This variant is not present in population databases (gnomAD no frequency). This variant has not been reported in the literature in individuals affected with RBM20-related conditions. ClinVar contains an entry for this variant (Variation ID: 3661823). For these reasons, this variant has been classified as Pathogenic.

North West Genomic Laboratory Hub, Manchester University NHS Foundation Trust
Classification: Likely pathogenic for Dilated and arrhythmogenic cardiomyopathy. Last evaluated: 2025-04-30. Review status: criteria provided, single submitter. Criteria: ACGS Best Practice Guidelines for Variant Classification in Rare Disease 2024. Collection method: clinical testing. Allele origin: germline. Affected: yes.
Comment: PM2_Mod PVS1_Str

Literature cited by the submitters: PubMed 20590677 (cited by Labcorp Genetics (formerly Invitae), Labcorp); PubMed 22004663 (cited by Labcorp Genetics (formerly Invitae), Labcorp); PubMed 38288598 (cited by Labcorp Genetics (formerly Invitae), Labcorp); PubMed 38510713 (cited by Labcorp Genetics (formerly Invitae), Labcorp); PubMed 40339755 (cited by Labcorp Genetics (formerly Invitae), Labcorp).